The following is an entry in ClinVar:

ClinVar aggregate classification (germline): Benign/Likely benign. Review status: criteria provided, multiple submitters, no conflicts (2 of 4 stars). 15 submissions from 15 submitters: Benign (2); Likely benign (10). 3 of the submissions do not count toward it. Last evaluated 2025-12-23.

Conditions:
Cardiovascular phenotype. Identifiers: MedGen CN230736.
Cardiomyopathy (CMYO). Also called: Cardiomyopathies. Identifiers: Orphanet 167848, MedGen C0878544, MONDO:0004994, HP:0001638. Inheritance: Various modes of inheritance.
Hypertrophic cardiomyopathy. Also called: HYPERTROPHIC MYOCARDIOPATHY. Identifiers: Orphanet 217569, MedGen C0007194, MeSH D002312, MONDO:0005045, HP:0001639.

Allele frequency attached by ClinVar (database versions not stated): gnomAD 0.00027 and 0.00029; TOPMed 0.00023; gnomAD exomes 0.00025 and 0.00043; ExAC 0.00027; ESP Exome Variant Server 0.00038.
gnomAD v4.1: 647 of 1,606,424 alleles (0.04%); highest among the groups gnomAD compares: Non-Finnish European, 0.054%; no homozygotes.

Submissions (15):

Labcorp Genetics (formerly Invitae), Labcorp
Classification: Likely benign for Hypertrophic cardiomyopathy. Last evaluated: 2025-12-23. Review status: criteria provided, single submitter. Criteria: Invitae Variant Classification Sherloc (09022015). Collection method: clinical testing. Allele origin: germline.

Mayo Clinic Laboratories, Mayo Clinic
Classification: Likely benign. Last evaluated: 2025-07-16. Review status: criteria provided, single submitter. Criteria: ACMG Guidelines, 2015. Collection method: clinical testing. Allele origin: germline. Observed: 2 variant alleles.
Comment: BS1, BP4, BP7

Women's Health and Genetics/Laboratory Corporation of America, LabCorp
Classification: Benign. Last evaluated: 2025-04-30. Review status: criteria provided, single submitter. Criteria: LabCorp Variant Classification Summary - May 2015. Collection method: clinical testing. Allele origin: germline.
Comment: Variant summary: TPM1 c.375-5T>C alters a nucleotide located at a position not widely known to affect splicing. Consensus agreement among computation tools predict no significant impact on normal splicing. However, these predictions have yet to be confirmed by functional studies. The variant allele was found at a frequency of 0.00025 in 251426 control chromosomes. The observed variant frequency is approximately 3.34 fold of the estimated maximal expected allele frequency for a pathogenic variant in TPM1 causing Cardiomyopathy phenotype (7.5e-05). c.375-5T>C has been observed in an individual affected with Sudden Infant Death (Neubauer_Eur J Hum Genet_2017); however, a missense variant in the MYH11 gene was also observed in the individual. These report(s) do not provide unequivocal conclusions about association of the variant with Cardiomyopathy. To our knowledge, no experimental evidence demonstrating an impact on protein function has been reported. The following publication have been ascertained in the context of this evaluation (PMID: 28074886). ClinVar contains an entry for this variant (Variation ID: 43416). Based on the evidence outlined above, the variant was classified as benign.

Molecular Diagnostic Laboratory for Inherited Cardiovascular Disease, Montreal Heart Institute
Classification: Likely benign. Last evaluated: 2025-04-09. Review status: criteria provided, single submitter. Criteria: ACMG Guidelines, 2015. Collection method: clinical testing. Allele origin: germline. Affected: no.
Comment: BP5;BP6

Blueprint Genetics
Classification: Likely benign. Last evaluated: 2024-09-16. Review status: criteria provided, single submitter. Criteria: ACMG Guidelines, 2015. Collection method: clinical testing. Allele origin: germline.

CeGaT Center for Human Genetics Tuebingen
Classification: Likely benign. Last evaluated: 2023-11-01. Review status: criteria provided, single submitter. Criteria: CeGaT Center For Human Genetics Tuebingen Variant Classification Criteria Version 2. Collection method: clinical testing. Allele origin: germline. Affected: yes. Observed: 2 variant alleles.
Comment: TPM1: BP4, BS1

CHEO Genetics Diagnostic Laboratory, Children's Hospital of Eastern Ontario
Classification: Likely benign for Cardiomyopathy. Last evaluated: 2022-11-29. Review status: criteria provided, single submitter. Criteria: ACMG Guidelines, 2015. Collection method: clinical testing. Allele origin: germline.

ARUP Laboratories, Molecular Genetics and Genomics, ARUP Laboratories
Classification: Likely benign. Last evaluated: 2021-03-02. Review status: criteria provided, single submitter. Criteria: ARUP Molecular Germline Variant Investigation Process 2021. Collection method: clinical testing. Allele origin: germline.

Ambry Genetics
Classification: Likely benign for Cardiovascular phenotype. Last evaluated: 2019-10-16. Review status: criteria provided, single submitter. Criteria: Ambry Variant Classification Scheme 2023. Collection method: clinical testing. Allele origin: germline.

Color Diagnostics, LLC DBA Color Health
Classification: Likely benign for Cardiomyopathy. Last evaluated: 2018-10-08. Review status: criteria provided, single submitter. Criteria: ACMG Guidelines, 2015. Collection method: clinical testing. Allele origin: germline.

GeneDx
Classification: Benign. Last evaluated: 2015-03-03. Review status: criteria provided, single submitter. Criteria: GeneDx Variant Classification Process June 2021. Collection method: clinical testing. Allele origin: germline. Affected: yes.
Comment: This variant is associated with the following publications: (PMID: 28074886, 20474083)

Laboratory for Molecular Medicine, Mass General Brigham Personalized Medicine
Classification: Likely benign. Last evaluated: 2012-04-04. Review status: criteria provided, single submitter. Criteria: LMM Criteria. Collection method: clinical testing. Allele origin: germline. Observed: 11 variant alleles.
Comment: 375-5T>C in intron 3 of TPM1: This variant is not expected to have clinical sig nificance because it is not located within the highly conserved splice consensu s sequence and splicing variants have not previously been identified in the TPM1 gene. In addition, it has been identified in both hypertrophic and dilated card iomyopathy probands in combination with another, pathogenic variant. It has been identified in 1/3738 African American chromosomes from a broad population by th e NHLBI Exome Sequencing Project.

Clinical Genetics, Academic Medical Center
Classification: Benign. Review status: no assertion criteria provided. Collection method: clinical testing. Allele origin: germline. Affected: yes. Study: VKGL Data-share Consensus. Not counted in ClinVar's aggregate classification.

Genome Diagnostics Laboratory, University Medical Center Utrecht
Classification: Likely benign. Review status: no assertion criteria provided. Collection method: clinical testing. Allele origin: germline. Affected: yes. Study: VKGL Data-share Consensus. Not counted in ClinVar's aggregate classification.

Joint Genome Diagnostic Labs from Nijmegen and Maastricht, Radboudumc and MUMC+
Classification: Likely benign. Review status: no assertion criteria provided. Collection method: clinical testing. Allele origin: germline. Affected: yes. Study: VKGL Data-share Consensus. Not counted in ClinVar's aggregate classification.

Literature cited by the submitters: PubMed 28074886 (cited by Women's Health and Genetics/Laboratory Corporation of America, LabCorp).

NM_001018005.2(TPM1):c.375-5T>C

Gene: TPM1 (tropomyosin 1; plus strand). Cytogenetic location: 15q22.2.
Variant type: single nucleotide variant.
Coding change: c.375-5T>C on transcript NM_001018005.2 (MANE Select); 5 bases into the intron before coding-DNA position 375, T replaced by C.
Molecular consequence: intron variant.
Genome position (GRCh38, 1-based): chr15:63,059,558, T>C. VCF-style: chr15-63059558-T-C. GRCh37 (hg19) VCF-style: chr15-63351757-T-C.
Other names: p.?; c.501-5T>C (NM_001365778.1); c.375-5T>C (NM_001018020.2, NM_001018007.2, NM_001018006.2 and 6 more transcripts); c.267-5T>C (NM_001330351.2, NM_001330344.2, NM_001018008.2 and 5 more transcripts).
Identifiers: ClinVar variation 43416 (VCV000043416.73), dbSNP rs377061868, ClinGen allele CA018009.